The following is an entry in ClinVar:

ClinVar aggregate classification (germline): Conflicting classifications of pathogenicity. Review status: criteria provided, conflicting classifications (1 of 4 stars). 5 submissions from 5 submitters: Uncertain significance (4); Likely benign (1). Last evaluated 2025-03-04.

Conditions:
Familial cancer of breast. Also called: hereditary breast carcinoma; Hereditary breast cancer; BREAST CANCER, FAMILIAL. Identifiers: Orphanet 227535, MedGen C0346153, MONDO:0016419, OMIM 114480. Disease mechanism: loss of function.
Ataxia-telangiectasia syndrome (AT). Also called: Cerebello-oculocutaneous telangiectasia; Immunodeficiency with ataxia telangiectasia; Ataxia-telangiectasia; Ataxia-telangiectasia, complementation group D; AT, COMPLEMENTATION GROUP C; ATAXIA-TELANGIECTASIA, COMPLEMENTATION GROUP A. Identifiers: Orphanet 100, MedGen C0004135, MONDO:0008840, OMIM 208900.
Hereditary cancer-predisposing syndrome. Also called: Tumor predisposition; Hereditary Cancer Syndrome; Neoplastic Syndromes, Hereditary; Hereditary neoplastic syndrome. Identifiers: Orphanet 140162, MedGen C0027672, MeSH D009386, MONDO:0015356.

Allele frequency attached by ClinVar (database versions not stated): gnomAD exomes below 0.00001.
gnomAD v4.1: 1 of 1,614,088 alleles (0.000062%); highest among the groups gnomAD compares: Non-Finnish European, 0.000085%; no homozygotes.

Submissions (5):

Color Diagnostics, LLC DBA Color Health
Classification: Uncertain significance for Hereditary cancer-predisposing syndrome. Last evaluated: 2025-03-04. Review status: criteria provided, single submitter. Criteria: ACMG Guidelines, 2015. Collection method: clinical testing. Allele origin: germline.
Comment: This missense variant replaces isoleucine with valine at codon 931 of the ATM protein. Computational prediction suggests that this variant may not impact protein structure and function. To our knowledge, functional studies have not been reported for this variant. This variant has not been reported in individuals affected with ATM-related disorders in the literature. This variant has been identified in 1/251432 chromosomes in the general population by the Genome Aggregation Database (gnomAD). The available evidence is insufficient to determine the role of this variant in disease conclusively. Therefore, this variant is classified as a Variant of Uncertain Significance.

Ambry Genetics
Classification: Likely benign for Hereditary cancer-predisposing syndrome. Last evaluated: 2025-02-10. Review status: criteria provided, single submitter. Criteria: Ambry Variant Classification Scheme 2023. Collection method: clinical testing. Allele origin: germline.

Labcorp Genetics (formerly Invitae), Labcorp
Classification: Uncertain significance for Ataxia-telangiectasia syndrome. Last evaluated: 2024-04-08. Review status: criteria provided, single submitter. Criteria: Invitae Variant Classification Sherloc (09022015). Collection method: clinical testing. Allele origin: germline.
Comment: This sequence change replaces isoleucine, which is neutral and non-polar, with valine, which is neutral and non-polar, at codon 931 of the ATM protein (p.Ile931Val). This variant is present in population databases (no rsID available, gnomAD 0.0009%). This variant has not been reported in the literature in individuals affected with ATM-related conditions. ClinVar contains an entry for this variant (Variation ID: 490492). Algorithms developed to predict the effect of missense changes on protein structure and function output the following: SIFT: "Not Available"; PolyPhen-2: "Benign"; Align-GVGD: "Not Available". The valine amino acid residue is found in multiple mammalian species, which suggests that this missense change does not adversely affect protein function. In summary, the available evidence is currently insufficient to determine the role of this variant in disease. Therefore, it has been classified as a Variant of Uncertain Significance.

Blueprint Genetics
Classification: Uncertain significance. Last evaluated: 2024-02-06. Review status: criteria provided, single submitter. Criteria: ACMG Guidelines, 2015. Collection method: clinical testing. Allele origin: germline.

Baylor Genetics
Classification: Uncertain significance for Familial cancer of breast. Last evaluated: 2023-05-08. Review status: criteria provided, single submitter. Criteria: ACMG Guidelines, 2015. Collection method: clinical testing. Allele origin: unknown.

NM_000051.4(ATM):c.2791A>G (p.Ile931Val)

Gene: ATM (ATM serine/threonine kinase; plus strand). Cytogenetic location: 11q22.3.
Variant type: single nucleotide variant.
Coding change: c.2791A>G on transcript NM_000051.4 (MANE Select); coding-DNA position 2791, A replaced by G.
Protein change: p.Ile931Val; replaces isoleucine 931 with valine.
Molecular consequence: missense variant.
Genome position (GRCh38, 1-based): chr11:108,268,562, A>G. VCF-style: chr11-108268562-A-G. GRCh37 (hg19) VCF-style: chr11-108139289-A-G.
Other names: c.2791A>G, p.Ile931Val (NM_001351834.2); short protein forms I931V.
Identifiers: ClinVar variation 490492 (VCV000490492.17), dbSNP rs1308253602, ClinGen allele CA382545614.